The following is an entry in ClinVar:

NM_004928.3(CFAP410):c.262C>T (p.Arg88Cys)

Gene: CFAP410 (cilia and flagella associated protein 410; minus strand). Cytogenetic location: 21q22.3.
Variant type: single nucleotide variant.
Coding change: c.262C>T on transcript NM_004928.3 (MANE Select); coding-DNA position 262, C replaced by T.
Protein change: p.Arg88Cys; replaces arginine 88 with cysteine.
Molecular consequence: missense variant.
Genome position (GRCh38, 1-based): chr21:44,333,144, G>A on the plus strand (C>T on the coding strand, the complement: CFAP410 is on the minus strand). VCF-style: chr21-44333144-G-A. GRCh37 (hg19) VCF-style: chr21-45753027-G-A.
Other names: c.262C>T, p.Arg88Cys (NM_001271440.2, NM_001271441.2); c.139C>T, p.Arg47Cys (NM_001271442.1); short protein forms R47C, R88C.
Identifiers: ClinVar variation 1024478 (VCV001024478.9), dbSNP rs922950652, ClinGen allele CA410456867.

ClinVar aggregate classification (germline): Uncertain significance. Review status: criteria provided, multiple submitters, no conflicts (2 of 4 stars). 2 submissions from 2 submitters: Uncertain significance (2). Last evaluated 2022-01-27.

Allele frequency attached by ClinVar (database versions not stated): TOPMed 0.00002.

Submissions (2):

Blueprint Genetics
Classification: Uncertain significance. Last evaluated: 2022-01-27. Review status: criteria provided, single submitter. Criteria: ACMG Guidelines, 2015. Collection method: clinical testing. Allele origin: germline.

Labcorp Genetics (formerly Invitae), Labcorp
Classification: Uncertain significance. Last evaluated: 2020-10-06. Review status: criteria provided, single submitter. Criteria: Invitae Variant Classification Sherloc (09022015). Collection method: clinical testing. Allele origin: germline.
Comment: In summary, the available evidence is currently insufficient to determine the role of this variant in disease. Therefore, it has been classified as a Variant of Uncertain Significance. Algorithms developed to predict the effect of missense changes on protein structure and function output the following: SIFT: "Deleterious"; PolyPhen-2: "Benign"; Align-GVGD: "Class C15". The cysteine amino acid residue is found in multiple mammalian species, suggesting that this missense change does not adversely affect protein function. These predictions have not been confirmed by published functional studies and their clinical significance is uncertain. This variant has not been reported in the literature in individuals with CFAP410-related conditions. This variant is not present in population databases (ExAC no frequency). This sequence change replaces arginine with cysteine at codon 88 of the CFAP410 protein (p.Arg88Cys). The arginine residue is moderately conserved and there is a large physicochemical difference between arginine and cysteine.